The following is an entry in ClinVar:

ClinVar aggregate classification (germline): Uncertain significance. Review status: criteria provided, multiple submitters, no conflicts (2 of 4 stars). 7 submissions from 7 submitters: Uncertain significance (7). Last evaluated 2025-10-07.

Conditions:
Hereditary cancer-predisposing syndrome. Also called: Tumor predisposition; Hereditary Cancer Syndrome; Hereditary neoplastic syndrome; Neoplastic Syndromes, Hereditary. Identifiers: Orphanet 140162, MedGen C0027672, MeSH D009386, MONDO:0015356.
Familial adenomatous polyposis 1 (FAP1). Also called: FAMILIAL ADENOMATOUS POLYPOSIS 1, ATTENUATED; POLYPOSIS, ADENOMATOUS INTESTINAL. Identifiers: MedGen C2713442, MONDO:0021056, OMIM 175100. Disease mechanism: loss of function.

Allele frequency attached by ClinVar (database versions not stated): TOPMed below 0.00001.
gnomAD v4.1: 1 of 1,614,108 alleles (0.000062%); no homozygotes.

Submissions (7):

Labcorp Genetics (formerly Invitae), Labcorp
Classification: Uncertain significance for Familial adenomatous polyposis 1. Last evaluated: 2025-10-07. Review status: criteria provided, single submitter. Criteria: Invitae Variant Classification Sherloc (09022015). Collection method: clinical testing. Allele origin: germline.
Comment: This sequence change replaces threonine, which is neutral and polar, with alanine, which is neutral and non-polar, at codon 2751 of the APC protein (p.Thr2751Ala). This variant is not present in population databases (gnomAD no frequency). This variant has not been reported in the literature in individuals affected with APC-related conditions. ClinVar contains an entry for this variant (Variation ID: 411504). Invitae Evidence Modeling of protein sequence and biophysical properties (such as structural, functional, and spatial information, amino acid conservation, physicochemical variation, residue mobility, and thermodynamic stability) indicates that this missense variant is not expected to disrupt APC protein function with a negative predictive value of 95%. In summary, the available evidence is currently insufficient to determine the role of this variant in disease. Therefore, it has been classified as a Variant of Uncertain Significance.

Baylor Genetics
Classification: Uncertain significance for Familial adenomatous polyposis 1. Last evaluated: 2024-03-10. Review status: criteria provided, single submitter. Criteria: ACMG Guidelines, 2015. Collection method: clinical testing. Allele origin: unknown.

Color Diagnostics, LLC DBA Color Health
Classification: Uncertain significance for Hereditary cancer-predisposing syndrome. Last evaluated: 2024-03-06. Review status: criteria provided, single submitter. Criteria: ACMG Guidelines, 2015. Collection method: clinical testing. Allele origin: germline.
Comment: This missense variant replaces threonine with alanine at codon 2751 of the APC protein. Computational prediction suggests that this variant may not impact protein structure and function (internally defined REVEL score threshold <= 0.5, PMID: 27666373). To our knowledge, functional studies have not been reported for this variant. This variant has not been reported in individuals affected with hereditary cancer in the literature. This variant has not been identified in the general population by the Genome Aggregation Database (gnomAD). The available evidence is insufficient to determine the role of this variant in disease conclusively. Therefore, this variant is classified as a Variant of Uncertain Significance.

Ambry Genetics
Classification: Uncertain significance for Hereditary cancer-predisposing syndrome. Last evaluated: 2024-01-03. Review status: criteria provided, single submitter. Criteria: Ambry Variant Classification Scheme 2023. Collection method: clinical testing. Allele origin: germline.
Comment: The p.T2751A variant (also known as c.8251A>G), located in coding exon 15 of the APC gene, results from an A to G substitution at nucleotide position 8251. The threonine at codon 2751 is replaced by alanine, an amino acid with similar properties. This amino acid position is not well conserved in available vertebrate species. In addition, in silico predictors for this gene do not accurately predict pathogenicity. Since supporting evidence is limited at this time, the clinical significance of this alteration remains unclear.

Quest Diagnostics Nichols Institute San Juan Capistrano
Classification: Uncertain significance. Last evaluated: 2023-07-12. Review status: criteria provided, single submitter. Criteria: Quest Diagnostics criteria. Collection method: clinical testing. Allele origin: unknown.
Comment: To the best of our knowledge, this variant has not been reported in the published literature. It also has not been reported in large, multi-ethnic general populations (Genome Aggregation Database). Analysis of this variant using bioinformatics tools for the prediction of the effect of amino acid changes on protein structure and function yielded predictions that this variant is benign. Based on the available information, we are unable to determine the clinical significance of this variant.

GeneDx
Classification: Uncertain significance. Last evaluated: 2021-03-25. Review status: criteria provided, single submitter. Criteria: GeneDx Variant Classification Process June 2021. Collection method: clinical testing. Allele origin: germline. Affected: yes.
Comment: Not observed in large population cohorts (Lek et al., 2016); In silico analysis supports that this missense variant does not alter protein structure/function; Has not been previously published as pathogenic or benign to our knowledge

Women's Health and Genetics/Laboratory Corporation of America, LabCorp
Classification: Uncertain significance. Last evaluated: 2016-12-22. Review status: criteria provided, single submitter. Criteria: LabCorp Variant Classification Summary - May 2015. Collection method: clinical testing. Allele origin: germline.
Comment: Variant summary: The APC c.8251A>G (p.Thr2751Ala) variant located in the EB-1 binding domain (via InterPro) causes a missense change involving a non-conserved nucleotide, which 3/4 in silico tools (SNPs&GO not captured here due to low reliability index) predict a benign outcome, although these predictions have yet to be functionally assessed. The variant of interest has not been observed in controls (ExAC, 1000 Gs, or ESP), nor has it been, to our knowledge, reported in affected individuals via publications and/or reputable clinical diagnostic laboratories/databases. Therefore, until additional information becomes available (ie, clinical and functional studies), the variant of interest has been classified as a "Variant of Uncertain Significance (VUS)."

NM_000038.6(APC):c.8251A>G (p.Thr2751Ala)

Gene: APC (APC regulator of Wnt signaling pathway; plus strand). Cytogenetic location: 5q22.2.
Variant type: single nucleotide variant.
Coding change: c.8251A>G on transcript NM_000038.6 (MANE Select); coding-DNA position 8251, A replaced by G.
Protein change: p.Thr2751Ala; replaces threonine 2751 with alanine.
Molecular consequence: missense variant.
Genome position (GRCh38, 1-based): chr5:112,843,845, A>G. VCF-style: chr5-112843845-A-G. GRCh37 (hg19) VCF-style: chr5-112179542-A-G.
Other names: c.8176A>G, p.Thr2726Ala (NM_001354898.2); c.8167A>G, p.Thr2723Ala (NM_001354899.2); c.8128A>G, p.Thr2710Ala (NM_001354900.2); c.8074A>G, p.Thr2692Ala (NM_001354901.2); c.7978A>G, p.Thr2660Ala (NM_001354902.2); c.7948A>G, p.Thr2650Ala (NM_001354903.2); c.7873A>G, p.Thr2625Ala (NM_001354904.2); c.7771A>G, p.Thr2591Ala (NM_001354905.2); and 5 more; short protein forms T2751A, T2733A, T2660A, T2723A, T2761A, T2650A, T2468A, T2591A.
Identifiers: ClinVar variation 411504 (VCV000411504.20), dbSNP rs1060503341, ClinGen allele CA16039237.